The following is an entry in ClinVar:

ClinVar aggregate classification (germline): Pathogenic (1 of 4 stars; one submission).

Conditions:
Congenital myotonia, autosomal recessive form. Also called: Becker Generalized Myotonia; BECKER DISEASE; myotonia congenita, autosomal recessive. Identifiers: Orphanet 614, MedGen C0751360, MONDO:0009715, OMIM 255700.
Congenital myotonia, autosomal dominant form (THD). Also called: THOMSEN DISEASE; Myotonia congenita autosomal dominant. Identifiers: Orphanet 614, MedGen C2936781, MONDO:0008055, OMIM 160800.

Submission:

Labcorp Genetics (formerly Invitae), Labcorp
Classification: Pathogenic for Congenital myotonia, autosomal recessive form; Congenital myotonia, autosomal dominant form. Last evaluated: 2022-10-17. Review status: criteria provided, single submitter. Criteria: Invitae Variant Classification Sherloc (09022015). Collection method: clinical testing. Allele origin: germline.
Comment: For these reasons, this variant has been classified as Pathogenic. A similar copy number variant has been observed in individual(s) with autosomal recessive myotonia congenita (PMID: 22649220). This variant is a gross deletion of the genomic region encompassing exon(s) 8-10 of the CLCN1 gene. This deletion is out-of-frame, and is expected to create a premature termination codon and result in an absent or disrupted protein product. Loss-of-function variants in CLCN1 are known to be pathogenic (PMID: 17932099, 22094069, 23739125).

Literature cited by the submitters: PubMed 22649220; PubMed 17932099; PubMed 22094069; PubMed 23739125.

NC_000007.13:g.(?_143027845)_(143028765_?)del

Gene: CLCN1 (chloride voltage-gated channel 1; plus strand). Cytogenetic location: 7q34.
Variant type: Deletion.
Identifiers: ClinVar variation 2422327 (VCV002422327.4).